The following is an entry in ClinVar:

ClinVar aggregate classification (germline): Likely benign. Review status: criteria provided, multiple submitters, no conflicts (2 of 4 stars). 4 submissions from 4 submitters: Likely benign (4). Last evaluated 2026-03-03.

Conditions:
DIAPH1-related disorder. Also called: DIAPH1-related condition.
Autosomal dominant nonsyndromic hearing loss 1. Also called: KONIGSMARK SYNDROME; DEAFNESS, AUTOSOMAL DOMINANT 1, WITH OR WITHOUT THROMBOCYTOPENIA. Identifiers: Orphanet 90635, MedGen C1852282, MONDO:0007424, OMIM 124900.
Progressive microcephaly-seizures-cortical blindness-developmental delay syndrome. Also called: Seizures, cortical blindness, and microcephaly syndrome. Identifiers: Orphanet 477814, MedGen C5567650, MONDO:0014714, OMIM 616632.

Allele frequency attached by ClinVar (database versions not stated): gnomAD 0.00001; gnomAD exomes 0.00002; TOPMed 0.00007.

Submissions (4):

PreventionGenetics, part of Exact Sciences
Classification: Likely benign for DIAPH1-related condition. Last evaluated: 2026-03-03. Review status: criteria provided, single submitter. Criteria: ACMG Guidelines, 2015. Collection method: clinical testing. Allele origin: germline.
Comment: This variant is classified as likely benign based on ACMG/AMP sequence variant interpretation guidelines (Richards et al. 2015 PMID: 25741868, with internal and published modifications).

Labcorp Genetics (formerly Invitae), Labcorp
Classification: Likely benign for Progressive microcephaly-seizures-cortical blindness-developmental delay syndrome; Autosomal dominant nonsyndromic hearing loss 1. Last evaluated: 2025-11-28. Review status: criteria provided, single submitter. Criteria: Invitae Variant Classification Sherloc (09022015). Collection method: clinical testing. Allele origin: germline.

Mayo Clinic Laboratories, Mayo Clinic
Classification: Likely benign. Last evaluated: 2025-02-14. Review status: criteria provided, single submitter. Criteria: ACMG Guidelines, 2015. Collection method: clinical testing. Allele origin: germline. Observed: 1 variant allele.
Comment: BP4, BP7

Blueprint Genetics
Classification: Likely benign. Last evaluated: 2024-10-28. Review status: criteria provided, single submitter. Criteria: ACMG Guidelines, 2015. Collection method: clinical testing. Allele origin: germline.

NM_005219.5(DIAPH1):c.117+10C>T

Gene: DIAPH1 (diaphanous related formin 1; minus strand). Cytogenetic location: 5q31.3.
Variant type: single nucleotide variant.
Coding change: c.117+10C>T on transcript NM_005219.5 (MANE Select); 10 bases into the intron after coding-DNA position 117, C replaced by T.
Molecular consequence: intron variant.
Genome position (GRCh38, 1-based): chr5:141,618,788, G>A on the plus strand (C>T on the coding strand, the complement: DIAPH1 is on the minus strand). VCF-style: chr5-141618788-G-A. GRCh37 (hg19) VCF-style: chr5-140998355-G-A.
Other names: p.?; c.117+10C>T (NM_005219.4, NM_001079812.3, NM_001314007.2).
Identifiers: ClinVar variation 1142923 (VCV001142923.12), dbSNP rs888332877, ClinGen allele CA128436676.
Genomic context (GRCh38, chr5:141,618,788, plus strand): 5'-AGGGGCCGGCTGCAGGGGTCCAGAGGGCGGTTACGGGGCCAGGCAGGAGCGGGATGGGAG[G>A]GACACTCACAAATTTCTTAGATTTGCCGCCGTCGCCGCCCGCCGAGGGCAGCTCATCTGG-3'